The following is an entry in ClinVar:

NM_080751.3(TMC2):c.1941-2A>T

Gene: TMC2 (transmembrane channel like 2; plus strand). Cytogenetic location: 20p13.
Variant type: single nucleotide variant.
Coding change: c.1941-2A>T on transcript NM_080751.3 (MANE Select); the canonical splice acceptor site of the intron before coding-DNA position 1941, A replaced by T.
Molecular consequence: splice acceptor variant.
Genome position (GRCh38, 1-based): chr20:2,617,070, A>T. VCF-style: chr20-2617070-A-T. GRCh37 (hg19) VCF-style: chr20-2597716-A-T.
Identifiers: ClinVar variation 3239004 (VCV003239004.19), dbSNP rs140053393.
Genomic context (GRCh38, chr20:2,617,070, plus strand): 5'-TCACCCTTCCCTCGCCTTCCCTGCTGTCCAGCCAACCAGGTGTTTGGTTTCTGCCATTCC[A>T]GGATGGGCTCCTTCTATGCTCCAGGCCTGGTGGGCATTAATGTGCTGCGCCTGCTGACCT-3'

ClinVar aggregate classification (germline): Likely benign (1 of 4 stars; one submission).

Allele frequency attached by ClinVar (database versions not stated): 1000 Genomes Project 0.00100; 1000 Genomes Project 30x 0.00109; ExAC 0.00364; gnomAD 0.00435; TOPMed 0.00448; ESP Exome Variant Server 0.00538; gnomAD exomes 0.00619.
gnomAD v4.1: 9,594 of 1,614,134 alleles (0.59%); highest among the groups gnomAD compares: Non-Finnish European, 0.76%; 43 homozygotes.

Submission:

CeGaT Center for Human Genetics Tuebingen
Classification: Likely benign. Last evaluated: 2024-05-01. Review status: criteria provided, single submitter. Criteria: CeGaT Center For Human Genetics Tuebingen Variant Classification Criteria Version 2. Collection method: clinical testing. Allele origin: germline. Affected: yes. Observed: 1 variant allele.
Comment: TMC2: BS2